The following is an entry in ClinVar:

ClinVar aggregate classification (germline): Conflicting classifications of pathogenicity. Review status: criteria provided, conflicting classifications (1 of 4 stars). 2 submissions from 2 submitters: Uncertain significance (1); Likely benign (1). Last evaluated 2024-11-04.

Conditions:
Bloom syndrome (BLM). Also called: Bloom-Torre-Machacek syndrome. Identifiers: Orphanet 125, MedGen C0005859, MONDO:0008876, OMIM 210900.

Allele frequency attached by ClinVar (database versions not stated): gnomAD exomes below 0.00001; TOPMed 0.00001.
gnomAD v4.1: 4 of 1,609,044 alleles (0.00025%); highest among the groups gnomAD compares: South Asian, 0.0044%; no homozygotes.

Submissions (2):

Labcorp Genetics (formerly Invitae), Labcorp
Classification: Likely benign for Bloom syndrome. Last evaluated: 2024-11-04. Review status: criteria provided, single submitter. Criteria: Invitae Variant Classification Sherloc (09022015). Collection method: clinical testing. Allele origin: germline.

Quest Diagnostics Nichols Institute San Juan Capistrano
Classification: Uncertain significance. Last evaluated: 2023-01-13. Review status: criteria provided, single submitter. Criteria: Quest Diagnostics criteria. Collection method: clinical testing. Allele origin: unknown.
Comment: To the best of our knowledge, the variant has not been reported in the published literature. It also has not been reported in large, multi-ethnic general populations. Analysis of this variant using software algorithms for the prediction of the effect of nucleotide changes on splicing yielded predictions that this variant does not affect BLM mRNA splicing . Based on the available information, we are unable to determine the clinical significance of this variant.

NM_000057.4(BLM):c.800-4G>A

Gene: BLM (BLM RecQ like helicase; plus strand). Cytogenetic location: 15q26.1.
Variant type: single nucleotide variant.
Coding change: c.800-4G>A on transcript NM_000057.4 (MANE Select); 4 bases into the intron before coding-DNA position 800, G replaced by A.
Molecular consequence: intron variant.
Genome position (GRCh38, 1-based): chr15:90,751,783, G>A. VCF-style: chr15-90751783-G-A. GRCh37 (hg19) VCF-style: chr15-91295013-G-A.
Other names: c.800-4G>A (NM_001287246.2, NM_001287247.2); c.-492-4G>A (NM_001287248.2).
Identifiers: ClinVar variation 715146 (VCV000715146.9), dbSNP rs1338362749, ClinGen allele CA717055614.